The following is an entry in ClinVar:

NM_017841.4(SDHAF2):c.370G>A (p.Glu124Lys)

Gene: SDHAF2 (succinate dehydrogenase complex assembly factor 2; plus strand). Cytogenetic location: 11q12.2.
Variant type: single nucleotide variant.
Coding change: c.370G>A on transcript NM_017841.4 (MANE Select); coding-DNA position 370, G replaced by A.
Protein change: p.Glu124Lys; replaces glutamic acid 124 with lysine.
Molecular consequence: missense variant.
Genome position (GRCh38, 1-based): chr11:61,438,113, G>A. VCF-style: chr11-61438113-G-A. GRCh37 (hg19) VCF-style: chr11-61205585-G-A.
Other names: short protein forms E124K.
Identifiers: ClinVar variation 480796 (VCV000480796.20), dbSNP rs1237175697, ClinGen allele CA380684253.

ClinVar aggregate classification (germline): Conflicting classifications of pathogenicity. Review status: criteria provided, conflicting classifications (1 of 4 stars). 6 submissions from 6 submitters: Likely pathogenic (3); Uncertain significance (3). Last evaluated 2026-07-17.

Conditions:
Hereditary pheochromocytoma and paraganglioma. Also called: Hereditary paragangliomas and pheochromocytomas; Hereditary Paraganglioma-Pheochromocytoma Syndromes; Hereditary pheochromocytoma-paraganglioma. Identifiers: Orphanet 29072, MedGen C4274332, MONDO:0017366.
Pheochromocytoma/paraganglioma syndrome 2. Also called: SDHAF2-Related Hereditary Paraganglioma-Pheochromocytoma Syndrome (Paragangliomas 2); Paragangliomas 2; SDHAF2-Related Hereditary Paraganglioma-Pheochromocytoma Syndrome; GLOMUS TUMORS, FAMILIAL, 2. Identifiers: Orphanet 29072, MedGen C1866552, MONDO:0011121, OMIM 601650.
Hereditary cancer-predisposing syndrome. Also called: Tumor predisposition; Neoplastic Syndromes, Hereditary; Hereditary Cancer Syndrome; Hereditary neoplastic syndrome. Identifiers: Orphanet 140162, MedGen C0027672, MeSH D009386, MONDO:0015356.

Allele frequency attached by ClinVar (database versions not stated): gnomAD 0.00001.
gnomAD v4.1: 3 of 1,602,136 alleles (0.00019%); highest among the groups gnomAD compares: African/African-American, 0.004%; no homozygotes.

Submissions (6):

Myriad Genetics, Inc.
Classification: Likely pathogenic for Pheochromocytoma/paraganglioma syndrome 2. Last evaluated: 2026-07-17. Review status: criteria provided, single submitter. Criteria: Myriad Autosomal Dominant, Autosomal Recessive and X-Linked Classification Criteria (2023). Collection method: clinical testing. Allele origin: unknown.
Comment: This variant is considered likely pathogenic. mRNA analysis has demonstrated abnormal mRNA splicing occurs [Myriad internal data].

GeneDx
Classification: Likely pathogenic. Last evaluated: 2026-06-11. Review status: criteria provided, single submitter. Criteria: GeneDx Variant Classification Process June 2021. Collection method: clinical testing. Allele origin: germline.
Comment: Not observed at significant frequency in large population cohorts (gnomAD); RNA studies demonstrate a damaging effect causing aberrant splicing (External communication with Ambry Genetics); In silico analysis supports a deleterious effect on splicing; Has not been previously published as pathogenic or benign to our knowledge

Labcorp Genetics (formerly Invitae), Labcorp
Classification: Uncertain significance for Hereditary pheochromocytoma and paraganglioma. Last evaluated: 2025-11-17. Review status: criteria provided, single submitter. Criteria: Invitae Variant Classification Sherloc (09022015). Collection method: clinical testing. Allele origin: germline.
Comment: This sequence change replaces glutamic acid, which is acidic and polar, with lysine, which is basic and polar, at codon 124 of the SDHAF2 protein (p.Glu124Lys). This variant also falls at the last nucleotide of exon 3, which is part of the consensus splice site for this exon. This variant is not present in population databases (gnomAD no frequency). This variant has not been reported in the literature in individuals affected with SDHAF2-related conditions. ClinVar contains an entry for this variant (Variation ID: 480796). An algorithm developed to predict the effect of missense changes on protein structure and function (PolyPhen-2) suggests that this variant is likely to be disruptive. Variants that disrupt the consensus splice site are a relatively common cause of aberrant splicing (PMID: 17576681, 9536098). Algorithms developed to predict the effect of sequence changes on RNA splicing suggest that this variant may disrupt the consensus splice site. In summary, the available evidence is currently insufficient to determine the role of this variant in disease. Therefore, it has been classified as a Variant of Uncertain Significance.

Color Diagnostics, LLC DBA Color Health
Classification: Uncertain significance for Hereditary pheochromocytoma and paraganglioma. Last evaluated: 2025-10-07. Review status: criteria provided, single submitter. Criteria: ACMG Guidelines, 2015. Collection method: clinical testing. Allele origin: germline.
Comment: This missense variant replaces glutamic acid with lysine at codon 124 of the SDHAF2 protein. Computational prediction suggests that this variant may not impact protein structure and function. Splice site prediction tools suggest that this variant may impact RNA splicing. To our knowledge, RNA studies have not been published for this variant, although another laboratory has reported abnormal splicing (ClinVar: SCV000664543.7). This variant has not been reported in individuals affected with SDHAF2-related disorders in the literature. This variant has been identified in 3/1602136 chromosomes in the general population by the Genome Aggregation Database (gnomAD). The available evidence is insufficient to determine the role of this variant in disease conclusively. Therefore, this variant is classified as a Variant of Uncertain Significance.

Ambry Genetics
Classification: Likely pathogenic for Hereditary cancer-predisposing syndrome. Last evaluated: 2025-09-22. Review status: criteria provided, single submitter. Criteria: Ambry Variant Classification Scheme 2023. Collection method: clinical testing. Allele origin: germline.
Comment: The c.370G>A (p.E124K) alteration is located in exon 3 (coding exon 3) of the SDHAF2 gene. This alteration results from a G to A substitution at nucleotide position 370, causing the glutamic acid (E) at amino acid position 124 to be replaced by a lysine (K). However, this change occurs in the last base pair of coding exon3, which makes it likely to have some effect on normal mRNA splicing. This variant was not reported in population-based cohorts in the Genome Aggregation Database (gnomAD). This variant has been observed in at least one individual with a personal and/or family history that is consistent with SDHAF2-associated disease (Ambry internal data). This nucleotide position is highly conserved in available vertebrate species. RNA studies have demonstrated that this variant results in abnormal splicing in the set of samples tested (Ambry internal data). In silico splice site analysis predicts that this alteration will weaken the native splice donor site and will result in the creation or strengthening of a novel splice donor site. Based on the available evidence, this alteration is classified as likely pathogenic.

All of Us Research Program, National Institutes of Health
Classification: Uncertain significance for Hereditary pheochromocytoma and paraganglioma. Last evaluated: 2023-11-30. Review status: criteria provided, single submitter. Criteria: ACMG Guidelines, 2015. Collection method: clinical testing. Allele origin: germline. Inheritance: Autosomal dominant inheritance. Observed: 2 variant alleles, 2 heterozygotes.
Comment: This missense variant replaces glutamic acid with lysine at codon 124 of the SDHAF2 protein. Computational prediction suggests that this variant may not impact protein structure and function (internally defined REVEL score threshold <= 0.5, PMID: 27666373). Splice site prediction tools suggest that this variant may impact RNA splicing. To our knowledge, functional studies have not been reported for this variant. This variant has not been reported in individuals affected with hereditary paranganglioma-pheochromocytoma syndrome in the literature. This variant has not been identified in the general population by the Genome Aggregation Database (gnomAD). The available evidence is insufficient to determine the role of this variant in disease conclusively. Therefore, this variant is classified as a Variant of Uncertain Significance.

This study involves interpretation of variants in research participants for the purpose of population health screening. Participant phenotype was not available at the time of variant classification. Additional details can be found in publication PMID: 35346344, PMCID: PMC8962531

Literature cited by the submitters: PubMed 17576681 (cited by Labcorp Genetics (formerly Invitae), Labcorp); PubMed 9536098 (cited by Labcorp Genetics (formerly Invitae), Labcorp).